The following is an entry in ClinVar:

NM_000180.4(GUCY2D):c.422A>C (p.Glu141Ala)

Gene: GUCY2D (guanylate cyclase 2D, retinal; plus strand). Cytogenetic location: 17p13.1.
Variant type: single nucleotide variant.
Coding change: c.422A>C on transcript NM_000180.4 (MANE Select); coding-DNA position 422, A replaced by C.
Protein change: p.Glu141Ala; replaces glutamic acid 141 with alanine.
Molecular consequence: missense variant.
Genome position (GRCh38, 1-based): chr17:8,003,469, A>C. VCF-style: chr17-8003469-A-C. GRCh37 (hg19) VCF-style: chr17-7906787-A-C.
Other names: short protein forms E141A.
Identifiers: ClinVar variation 3755843 (VCV003755843.2).

ClinVar aggregate classification (germline): Uncertain significance (1 of 4 stars; one submission).

Conditions:
Leber congenital amaurosis 1 (LCA1). Also called: RETINAL BLINDNESS, CONGENITAL; AMAUROSIS CONGENITA OF LEBER I; Congenital absence of the rods and cones; Leber's congenital tapetoretinal degeneration; Leber's congenital tapetoretinal dysplasia. Identifiers: Orphanet 65, MedGen C2931258, MONDO:0008764, OMIM 204000.
Cone-rod dystrophy 6 (CORD6). Also called: RETINAL CONE DYSTROPHY 2; Cone dystrophy progressive. Identifiers: Orphanet 1872, MedGen C1866293, MONDO:0011143, OMIM 601777.

Submission:

Labcorp Genetics (formerly Invitae), Labcorp
Classification: Uncertain significance for Leber congenital amaurosis 1; Cone-rod dystrophy 6. Last evaluated: 2024-04-14. Review status: criteria provided, single submitter. Criteria: Invitae Variant Classification Sherloc (09022015). Collection method: clinical testing. Allele origin: germline.
Comment: This sequence change replaces glutamic acid, which is acidic and polar, with alanine, which is neutral and non-polar, at codon 141 of the GUCY2D protein (p.Glu141Ala). This variant is not present in population databases (gnomAD no frequency). This variant has not been reported in the literature in individuals affected with GUCY2D-related conditions. Advanced modeling of protein sequence and biophysical properties (such as structural, functional, and spatial information, amino acid conservation, physicochemical variation, residue mobility, and thermodynamic stability) performed at Invitae indicates that this missense variant is not expected to disrupt GUCY2D protein function with a negative predictive value of 80%. In summary, the available evidence is currently insufficient to determine the role of this variant in disease. Therefore, it has been classified as a Variant of Uncertain Significance.